The following is an entry in ClinVar:

ClinVar aggregate classification (germline): Uncertain significance (1 of 4 stars; one submission).

Allele frequency attached by ClinVar (database versions not stated): gnomAD exomes below 0.00001.
gnomAD v4.1: 2 of 1,518,198 alleles (0.00013%); highest among the groups gnomAD compares: Non-Finnish European, 0.00018%; no homozygotes.

Submission:

Labcorp Genetics (formerly Invitae), Labcorp
Classification: Uncertain significance. Last evaluated: 2022-04-18. Review status: criteria provided, single submitter. Criteria: Invitae Variant Classification Sherloc (09022015). Collection method: clinical testing. Allele origin: germline.
Comment: In summary, the available evidence is currently insufficient to determine the role of this variant in disease. Therefore, it has been classified as a Variant of Uncertain Significance. Algorithms developed to predict the effect of sequence changes on RNA splicing suggest that this variant may create or strengthen a splice site. This variant has not been reported in the literature in individuals affected with FSCN2-related conditions. This variant is not present in population databases (gnomAD no frequency). This sequence change falls in intron 1 of the FSCN2 gene. It does not directly change the encoded amino acid sequence of the FSCN2 protein.

NM_012418.4(FSCN2):c.826+18G>A

Gene: FSCN2 (fascin actin-bundling protein 2, retinal; plus strand). Cytogenetic location: 17q25.3.
Variant type: single nucleotide variant.
Coding change: c.826+18G>A on transcript NM_012418.4 (MANE Select); 18 bases into the intron after coding-DNA position 826, G replaced by A.
Molecular consequence: intron variant.
Genome position (GRCh38, 1-based): chr17:81,529,375, G>A. VCF-style: chr17-81529375-G-A. GRCh37 (hg19) VCF-style: chr17-79496401-G-A.
Other names: c.826+18G>A (NM_001077182.3).
Identifiers: ClinVar variation 2127615 (VCV002127615.4), dbSNP rs2544428070, ClinGen allele CA2580095354.